The following is an entry in ClinVar:

NM_001252024.2(TRPM1):c.2631C>G (p.Gly877=)

Genes: TRPM1 (transient receptor potential cation channel subfamily M member 1; minus strand), TRPM1-AS1 (TRPM1 antisense RNA 1; plus strand). Cytogenetic location: 15q13.3.
Variant type: single nucleotide variant.
Coding change: c.2631C>G on transcript NM_001252024.2 (MANE Select); coding-DNA position 2631, C replaced by G.
Protein change: p.Gly877=; no amino-acid change (glycine 877 retained).
Molecular consequence: synonymous variant.
Genome position (GRCh38, 1-based): chr15:31,035,615, G>C on the plus strand (C>G on the coding strand, the complement: TRPM1 is on the minus strand). VCF-style: chr15-31035615-G-C. GRCh37 (hg19) VCF-style: chr15-31327818-G-C.
Other names: c.2682C>G, p.Gly894= (NM_001252020.2); c.2565C>G, p.Gly855= (NM_002420.6); c.2682C>G (NM_001252020.1).
Identifiers: ClinVar variation 315506 (VCV000315506.17), dbSNP rs150735353, ClinGen allele CA7452121.

ClinVar aggregate classification (germline): Benign/Likely benign. Review status: criteria provided, multiple submitters, no conflicts (2 of 4 stars). 4 submissions from 4 submitters: Benign (1); Likely benign (3). Last evaluated 2025-07-09.

Conditions:
Congenital stationary night blindness 1C. Also called: Night blindness, congenital stationary (complete), 1C, autosomal recessive. Identifiers: Orphanet 215, MedGen C2750747, MONDO:0013183, OMIM 613216.
TRPM1-related disorder. Also called: TRPM1-related condition.

Allele frequency attached by ClinVar (database versions not stated): gnomAD 0.00004 and 0.00010; TOPMed 0.00013; 1000 Genomes Project 30x 0.00047; 1000 Genomes Project 0.00060.
gnomAD v4.1: 309 of 1,614,200 alleles (0.019%); highest among the groups gnomAD compares: East Asian, 0.67%; 2 homozygotes.

Submissions (4):

Labcorp Genetics (formerly Invitae), Labcorp
Classification: Benign. Last evaluated: 2025-07-09. Review status: criteria provided, single submitter. Criteria: Invitae Variant Classification Sherloc (09022015). Collection method: clinical testing. Allele origin: germline.

PreventionGenetics, part of Exact Sciences
Classification: Likely benign for TRPM1-related condition. Last evaluated: 2025-03-26. Review status: criteria provided, single submitter. Criteria: ACMG Guidelines, 2015. Collection method: clinical testing. Allele origin: germline.
Comment: This variant is classified as likely benign based on ACMG/AMP sequence variant interpretation guidelines (Richards et al. 2015 PMID: 25741868, with internal and published modifications).

Blueprint Genetics
Classification: Likely benign. Last evaluated: 2023-10-04. Review status: criteria provided, single submitter. Criteria: ACMG Guidelines, 2015. Collection method: clinical testing. Allele origin: germline.

Illumina Laboratory Services, Illumina
Classification: Likely benign for Congenital stationary night blindness 1C. Last evaluated: 2018-01-13. Review status: criteria provided, single submitter. Criteria: ICSL Variant Classification Criteria 13 December 2019. Collection method: clinical testing. Allele origin: germline.
Comment: This variant was observed in the ICSL laboratory as part of a predisposition screen in an ostensibly healthy population. It had not been previously curated by ICSL or reported in the Human Gene Mutation Database (HGMD: prior to June 1st, 2018), and was therefore a candidate for classification through an automated scoring system. Utilizing variant allele frequency, disease prevalence and penetrance estimates, and inheritance mode, an automated score was calculated to assess if this variant is too frequent to cause the disease. Based on the score and internal cut-off values, a variant classified as likely benign is not then subjected to further curation. The score for this variant resulted in a classification of likely benign for this disease.